The following is an entry in ClinVar:

ClinVar aggregate classification (germline): Uncertain significance (1 of 4 stars; one submission).

Allele frequency attached by ClinVar (database versions not stated): TOPMed 0.00001; gnomAD 0.00002; gnomAD exomes below 0.00001.

Submission:

Labcorp Genetics (formerly Invitae), Labcorp
Classification: Uncertain significance. Last evaluated: 2022-09-02. Review status: criteria provided, single submitter. Criteria: Invitae Variant Classification Sherloc (09022015). Collection method: clinical testing. Allele origin: germline.
Comment: In summary, the available evidence is currently insufficient to determine the role of this variant in disease. Therefore, it has been classified as a Variant of Uncertain Significance. Algorithms developed to predict the effect of missense changes on protein structure and function are either unavailable or do not agree on the potential impact of this missense change (SIFT: "Deleterious"; PolyPhen-2: "Probably Damaging"; Align-GVGD: "Class C0"). This missense change has been observed in individual(s) with clinical features of occipital cortical malformations (Invitae). This variant is not present in population databases (gnomAD no frequency). This sequence change replaces histidine, which is basic and polar, with aspartic acid, which is acidic and polar, at codon 86 of the LAMC3 protein (p.His86Asp).

NM_006059.4(LAMC3):c.256C>G (p.His86Asp)

Gene: LAMC3 (laminin subunit gamma 3; plus strand). Cytogenetic location: 9q34.12.
Variant type: single nucleotide variant.
Coding change: c.256C>G on transcript NM_006059.4 (MANE Select); coding-DNA position 256, C replaced by G.
Protein change: p.His86Asp; replaces histidine 86 with aspartic acid.
Molecular consequence: missense variant.
Genome position (GRCh38, 1-based): chr9:131,009,470, C>G. VCF-style: chr9-131009470-C-G. GRCh37 (hg19) VCF-style: chr9-133884857-C-G.
Other names: short protein forms H86D.
Identifiers: ClinVar variation 2108967 (VCV002108967.4), dbSNP rs1833368682, ClinGen allele CA375250710.